The following is an entry in ClinVar:

ClinVar aggregate classification (germline): Pathogenic (1 of 4 stars; one submission).

Submission:

CeGaT Center for Human Genetics Tuebingen
Classification: Pathogenic. Last evaluated: 2024-08-01. Review status: criteria provided, single submitter. Criteria: CeGaT Center For Human Genetics Tuebingen Variant Classification Criteria Version 2. Collection method: clinical testing. Allele origin: germline. Affected: yes. Observed: 1 variant allele.
Comment: KCNH2: PVS1, PM2

NM_000238.4(KCNH2):c.236_243dup (p.Ile82fs)

Gene: KCNH2 (potassium voltage-gated channel subfamily H member 2; minus strand). Cytogenetic location: 7q36.1.
Variant type: Duplication.
Coding change: c.236_243dup on transcript NM_000238.4 (MANE Select); coding-DNA positions 236 to 243, 8 bases duplicated (CCGCGCAG; older notation c.236_243dupCCGCGCAG).
Protein change: p.Ile82fs; shifts the reading frame from isoleucine 82.
Molecular consequence: frameshift variant. On other transcripts: non-coding transcript variant (1).
Genome position (GRCh38, 1-based): chr7:150,974,775-150,974,782, CTGCGCGG duplicated on the plus strand (CCGCGCAG on the coding strand, the reverse complement: KCNH2 is on the minus strand); duplicating any 8 consecutive bases within chr7:150,974,775-150,974,783 gives the same sequence; the c. name uses the placement nearest the transcript's 3' end. VCF-style (leftmost placement, unchanged base first): chr7-150974774-T-TCTGCGCGG. GRCh37 (hg19) VCF-style: chr7-150671862-T-TCTGCGCGG.
Other names: c.59_66dup, p.Ile23fs (NM_001406755.1); c.236_243dup, p.Ile82fs (NM_172056.3); short protein forms I23fs, I82fs.
Identifiers: ClinVar variation 3341931 (VCV003341931.16).
Genomic context (GRCh38, chr7:150,974,774, plus strand): 5'-CTTTCCGGTAGAAGGCGATTTCCACTTTGCGCTCCTCGGCGCCCAGCAGTGCCTGCGCGA[T>TCTGCGCGG]CTGCGCGGCAGCGCGGCGCTGCGTGCGCGGCCCGTGCAGGAAGTCGCAGGTGCAGGGTCG-3'